The following is an entry in ClinVar:

NM_020921.4(NIN):c.400C>T (p.Arg134Trp)

Gene: NIN (ninein; minus strand). Cytogenetic location: 14q22.1.
Variant type: single nucleotide variant.
Coding change: c.400C>T on transcript NM_020921.4 (MANE Select); coding-DNA position 400, C replaced by T.
Protein change: p.Arg134Trp; replaces arginine 134 with tryptophan.
Molecular consequence: missense variant.
Genome position (GRCh38, 1-based): chr14:50,792,747, G>A on the plus strand (C>T on the coding strand, the complement: NIN is on the minus strand). VCF-style: chr14-50792747-G-A. GRCh37 (hg19) VCF-style: chr14-51259465-G-A.
Other names: c.400C>T, p.Arg134Trp (NM_016350.5, NM_182944.3, NM_182946.2); short protein forms R134W.
Identifiers: ClinVar variation 3628230 (VCV003628230.2).

ClinVar aggregate classification (germline): Uncertain significance (1 of 4 stars; one submission).

Submission:

Labcorp Genetics (formerly Invitae), Labcorp
Classification: Uncertain significance. Last evaluated: 2024-02-02. Review status: criteria provided, single submitter. Criteria: Invitae Variant Classification Sherloc (09022015). Collection method: clinical testing. Allele origin: germline.
Comment: This sequence change replaces arginine, which is basic and polar, with tryptophan, which is neutral and slightly polar, at codon 134 of the NIN protein (p.Arg134Trp). This variant is present in population databases (rs748532572, gnomAD 0.003%). This variant has not been reported in the literature in individuals affected with NIN-related conditions. An algorithm developed to predict the effect of missense changes on protein structure and function (PolyPhen-2) suggests that this variant is likely to be disruptive. In summary, the available evidence is currently insufficient to determine the role of this variant in disease. Therefore, it has been classified as a Variant of Uncertain Significance.